The following is an entry in ClinVar:

NM_006623.4(PHGDH):c.1406G>A (p.Arg469Gln)

Gene: PHGDH (phosphoglycerate dehydrogenase; plus strand). Cytogenetic location: 1p12.
Variant type: single nucleotide variant.
Coding change: c.1406G>A on transcript NM_006623.4 (MANE Select); coding-DNA position 1406, G replaced by A.
Protein change: p.Arg469Gln; replaces arginine 469 with glutamine.
Molecular consequence: missense variant.
Genome position (GRCh38, 1-based): chr1:119,743,003, G>A. VCF-style: chr1-119743003-G-A. GRCh37 (hg19) VCF-style: chr1-120285626-G-A.
Other names: short protein forms R469Q.
Identifiers: ClinVar variation 1327653 (VCV001327653.6), dbSNP rs139764141, ClinGen allele CA1037450.

ClinVar aggregate classification (germline): Uncertain significance. Review status: criteria provided, multiple submitters, no conflicts (2 of 4 stars). 4 submissions from 3 submitters: Uncertain significance (4). Last evaluated 2023-11-06.

Conditions:
Neu-Laxova syndrome 1 (NLS1). Identifiers: Orphanet 2671, Orphanet 583607, MedGen C4551478, MONDO:0009736, OMIM 256520. Disease mechanism: loss of function.
PHGDH deficiency. Identifiers: Orphanet 79351, MedGen C1866174, MONDO:0011152, OMIM 601815.

Allele frequency attached by ClinVar (database versions not stated): ExAC 0.00002; gnomAD 0.00002 and 0.00003; gnomAD exomes 0.00003 and 0.00007; TOPMed 0.00003; ESP Exome Variant Server 0.00008.
gnomAD v4.1: 102 of 1,613,732 alleles (0.0063%); highest among the groups gnomAD compares: Non-Finnish European, 0.008%; no homozygotes.

Submissions (4):

Labcorp Genetics (formerly Invitae), Labcorp
Classification: Uncertain significance for PHGDH deficiency. Last evaluated: 2023-11-06. Review status: criteria provided, single submitter. Criteria: Invitae Variant Classification Sherloc (09022015). Collection method: clinical testing. Allele origin: germline.
Comment: This sequence change replaces arginine, which is basic and polar, with glutamine, which is neutral and polar, at codon 469 of the PHGDH protein (p.Arg469Gln). This variant is present in population databases (rs139764141, gnomAD 0.004%). This variant has not been reported in the literature in individuals affected with PHGDH-related conditions. ClinVar contains an entry for this variant (Variation ID: 1327653). Algorithms developed to predict the effect of missense changes on protein structure and function output the following: SIFT: "Not Available"; PolyPhen-2: "Benign"; Align-GVGD: "Not Available". The glutamine amino acid residue is found in multiple mammalian species, which suggests that this missense change does not adversely affect protein function. In summary, the available evidence is currently insufficient to determine the role of this variant in disease. Therefore, it has been classified as a Variant of Uncertain Significance.

Genome-Nilou Lab
Classification: Uncertain significance for Neu-Laxova syndrome 1. Last evaluated: 2023-04-11. Review status: criteria provided, single submitter. Criteria: ACMG Guidelines, 2015. Collection method: clinical testing. Allele origin: germline. Affected: no.

Genome-Nilou Lab
Classification: Uncertain significance for PHGDH deficiency. Last evaluated: 2023-04-11. Review status: criteria provided, single submitter. Criteria: ACMG Guidelines, 2015. Collection method: clinical testing. Allele origin: germline. Affected: no.

GeneDx
Classification: Uncertain significance. Last evaluated: 2021-06-09. Review status: criteria provided, single submitter. Criteria: GeneDx Variant Classification Process June 2021. Collection method: clinical testing. Allele origin: germline. Affected: yes.
Comment: Not observed at significant frequency in large population cohorts (Lek et al., 2016); In silico analysis supports that this missense variant does not alter protein structure/function; Has not been previously published as pathogenic or benign to our knowledge